The following is an entry in ClinVar:

NM_015001.3(SPEN):c.8551G>A (p.Val2851Met)

Gene: SPEN (spen family transcriptional repressor; plus strand). Cytogenetic location: 1p36.13.
Variant type: single nucleotide variant.
Coding change: c.8551G>A on transcript NM_015001.3 (MANE Select); coding-DNA position 8551, G replaced by A.
Protein change: p.Val2851Met; replaces valine 2851 with methionine.
Molecular consequence: missense variant.
Genome position (GRCh38, 1-based): chr1:15,934,791, G>A. VCF-style: chr1-15934791-G-A. GRCh37 (hg19) VCF-style: chr1-16261286-G-A.
Other names: short protein forms V2851M.
Identifiers: ClinVar variation 3774604 (VCV003774604.1).

ClinVar aggregate classification (germline): Uncertain significance (1 of 4 stars; one submission).

gnomAD v4.1: 4 of 1,614,200 alleles (0.00025%); highest among the groups gnomAD compares: East Asian, 0.0045%; no homozygotes.

Submission:

GeneDx
Classification: Uncertain significance. Last evaluated: 2024-09-26. Review status: criteria provided, single submitter. Criteria: GeneDx Variant Classification Process June 2021. Collection method: clinical testing. Allele origin: germline. Affected: yes.
Comment: Not observed at significant frequency in large population cohorts (gnomAD); In silico analysis supports that this missense variant does not alter protein structure/function; Has not been previously published as pathogenic or benign to our knowledge